The following is an entry in ClinVar:

NM_001365902.3(NFIX):c.819-16T>C

Gene: NFIX (nuclear factor I X; plus strand). Cytogenetic location: 19p13.13.
Variant type: single nucleotide variant.
Coding change: c.819-16T>C on transcript NM_001365902.3 (MANE Select); 16 bases into the intron before coding-DNA position 819, T replaced by C.
Molecular consequence: intron variant.
Genome position (GRCh38, 1-based): chr19:13,075,519, T>C. VCF-style: chr19-13075519-T-C. GRCh37 (hg19) VCF-style: chr19-13186333-T-C.
Other names: c.843-16T>C (NM_001271043.2); c.819-16T>C (NM_002501.4, NM_001365982.2); c.795-16T>C (NM_001378404.1, NM_001271044.3); c.867-16T>C (NM_001378405.1); c.678-16T>C (NM_001365983.2); c.816-16T>C (NM_001365984.2, NM_001365985.2).
Identifiers: ClinVar variation 388000 (VCV000388000.1), dbSNP rs764373567, ClinGen allele CA9237077.
Genomic context (GRCh38, chr19:13,075,519, plus strand): 5'-TTTAGCCTGGACTCTTGGTCACTCCCTGGAGCCTCAGCCCATCCTTGGCCCATGTGACCC[T>C]TTCTTTCTTCCCCAGCACCACCAAGCGCCCCAAGTCCATCGATGACAGTGAGATGGAGAG-3'

ClinVar aggregate classification (germline): Likely benign (1 of 4 stars; one submission).

Allele frequency attached by ClinVar (database versions not stated): gnomAD exomes below 0.00001 and 0.00001; ExAC 0.00001.
gnomAD v4.1: 7 of 1,613,040 alleles (0.00043%); highest among the groups gnomAD compares: Non-Finnish European, 0.00059%; no homozygotes.

Submission:

GeneDx
Classification: Likely benign. Last evaluated: 2016-07-22. Review status: criteria provided, single submitter. Criteria: GeneDx Variant Classification (06012015). Collection method: clinical testing. Allele origin: germline. Affected: yes.
Comment: This variant is considered likely benign or benign based on one or more of the following criteria: it is a conservative change, it occurs at a poorly conserved position in the protein, it is predicted to be benign by multiple in silico algorithms, and/or has population frequency not consistent with disease.